The following is an entry in ClinVar:

ClinVar aggregate classification (germline): Benign/Likely benign. Review status: criteria provided, multiple submitters, no conflicts (2 of 4 stars). 6 submissions from 4 submitters: Benign (4); Likely benign (2). Last evaluated 2021-07-10.

Conditions:
Congenital myasthenic syndrome 4B. Also called: Myasthenic syndrome, congenital, 4b, fast-channel. Identifiers: Orphanet 590, MedGen C4225369, MONDO:0014586, OMIM 616324.
Congenital myasthenic syndrome 4A. Also called: CONGENITAL MYASTHENIC SYNDROME TYPE Ia1; Myasthenic syndrome, congenital, 4a, slow-channel; MYASTHENIC SYNDROME, CONGENITAL, 4A, SLOW-CHANNEL, AUTOSOMAL RECESSIVE. Identifiers: Orphanet 590, MedGen C4225413, MONDO:0011600, OMIM 605809.
Congenital myasthenic syndrome 4C (CMS4C). Also called: Myasthenic syndrome, congenital, associated with acetylcholine receptor deficiency. Identifiers: Orphanet 590, MedGen C1837091, MONDO:0012157, OMIM 608931.

Allele frequency attached by ClinVar (database versions not stated): ESP Exome Variant Server 0.06826; gnomAD 0.09239 and 0.10636; TOPMed 0.10025; gnomAD exomes 0.10197 and 0.16096; ExAC 0.18505; 1000 Genomes Project 30x 0.21799; 1000 Genomes Project 0.22604.
gnomAD v4.1: 164,339 of 1,595,022 alleles (10%); highest among the groups gnomAD compares: East Asian, 48%; 15,468 homozygotes.

Submissions (6):

Genome-Nilou Lab
Classification: Benign for Congenital myasthenic syndrome 4A. Last evaluated: 2021-07-10. Review status: criteria provided, single submitter. Criteria: ACMG Guidelines, 2015. Collection method: clinical testing. Allele origin: germline. Affected: no.

Genome-Nilou Lab
Classification: Benign for Congenital myasthenic syndrome 4B. Last evaluated: 2021-07-10. Review status: criteria provided, single submitter. Criteria: ACMG Guidelines, 2015. Collection method: clinical testing. Allele origin: germline. Affected: no.

Genome-Nilou Lab
Classification: Benign for Congenital myasthenic syndrome 4C. Last evaluated: 2021-07-10. Review status: criteria provided, single submitter. Criteria: ACMG Guidelines, 2015. Collection method: clinical testing. Allele origin: germline. Affected: no.

GeneDx
Classification: Benign. Last evaluated: 2018-06-19. Review status: criteria provided, single submitter. Criteria: GeneDx Variant Classification (06012015). Collection method: clinical testing. Allele origin: germline. Affected: yes.
Comment: This variant is considered likely benign or benign based on one or more of the following criteria: it is a conservative change, it occurs at a poorly conserved position in the protein, it is predicted to be benign by multiple in silico algorithms, and/or has population frequency not consistent with disease.

Breakthrough Genomics
Classification: Likely benign. Review status: criteria provided, single submitter. Criteria: ACMG Guidelines, 2015. Collection method: not provided. Allele origin: germline. Inheritance: Autosomal recessive inheritance. Affected: yes.

PreventionGenetics, part of Exact Sciences
Classification: Likely benign. Review status: criteria provided, single submitter. Criteria: ACMG Guidelines, 2015. Collection method: clinical testing. Allele origin: germline.

NM_000080.4(CHRNE):c.1220-45C>T

Genes: CHRNE (cholinergic receptor nicotinic epsilon subunit; minus strand), LOC130060040 (ATAC-STARR-seq lymphoblastoid silent region 8049; plus strand). Cytogenetic location: 17p13.2.
Variant type: single nucleotide variant.
Coding change: c.1220-45C>T on transcript NM_000080.4 (MANE Select); 45 bases into the intron before coding-DNA position 1220, C replaced by T.
Molecular consequence: intron variant.
Genome position (GRCh38, 1-based): chr17:4,899,152, G>A on the plus strand (C>T on the coding strand, the complement: CHRNE is on the minus strand). VCF-style: chr17-4899152-G-A. GRCh37 (hg19) VCF-style: chr17-4802447-G-A.
Other names: c.1220-45C>T (LRG_1254t1).
Identifiers: ClinVar variation 254891 (VCV000254891.6), dbSNP rs75492003, ClinGen allele CA8313959.